The following is an entry in ClinVar:

ClinVar aggregate classification (germline): Uncertain significance (1 of 4 stars; one submission).

Conditions:
Cataract 1 multiple types. Also called: CATARACT 1, STELLATE NUCLEAR, WITH MICROCORNEA; CATARACT, DUFFY-LINKED; CATARACT 1, POSTERIOR SUBCAPSULAR, WITH MICROCORNEA; CATARACT 1, MULTIPLE TYPES, WITH OR WITHOUT MICROCORNEA; CATARACT 1, NUCLEAR PROGRESSIVE; CATARACT 1 WITH MICROCORNEA. Identifiers: Orphanet 1377, MedGen C1861828, MONDO:0007285, OMIM 116200.

Allele frequency attached by ClinVar (database versions not stated): gnomAD exomes below 0.00001 and 0.00002; ExAC 0.00001; gnomAD 0.00001; 1000 Genomes Project 30x 0.00016; 1000 Genomes Project 0.00020.

Submission:

Labcorp Genetics (formerly Invitae), Labcorp
Classification: Uncertain significance for Cataract 1 multiple types. Last evaluated: 2016-08-08. Review status: criteria provided, single submitter. Criteria: Invitae Variant Classification Sherloc (09022015). Collection method: clinical testing. Allele origin: germline.
Comment: This sequence change replaces arginine with tryptophan at codon 33 of the GJA8 protein (p.Arg33Trp). The arginine residue is highly conserved and there is a moderate physicochemical difference between arginine and tryptophan. In summary, this variant is a rare missense change with uncertain impact on protein function. There is no indication that it causes disease, but the available evidence is currently insufficient to prove that conclusively. Therefore, it has been classified as a Variant of Uncertain Significance. Algorithms developed to predict the effect of missense changes on protein structure and function (SIFT, PolyPhen-2, Align-GVGD) all suggest that this variant is likely to be disruptive, but these predictions have not been confirmed by published functional studies. This variant is present in population databases (rs587710840, ExAC 0.01%) but has not been reported in the literature in individuals with a GJA8-related disease.

NM_005267.5(GJA8):c.97C>T (p.Arg33Trp)

Gene: GJA8 (gap junction protein alpha 8; plus strand). Cytogenetic location: 1q21.2.
Variant type: single nucleotide variant.
Coding change: c.97C>T on transcript NM_005267.5 (MANE Select); coding-DNA position 97, C replaced by T.
Protein change: p.Arg33Trp; replaces arginine 33 with tryptophan.
Molecular consequence: missense variant.
Genome position (GRCh38, 1-based): chr1:147,908,052, C>T. VCF-style: chr1-147908052-C-T. GRCh37 (hg19) VCF-style: chr1-147380179-C-T.
Other names: short protein forms R33W.
Identifiers: ClinVar variation 468227 (VCV000468227.9), dbSNP rs587710840, ClinGen allele CA1065864.